The following is an entry in ClinVar:

ClinVar aggregate classification (germline): Uncertain significance. Review status: criteria provided, multiple submitters, no conflicts (2 of 4 stars). 3 submissions from 3 submitters: Uncertain significance (3). Last evaluated 2025-11-11.

Conditions:
Bailey-Bloch congenital myopathy (CMYO13). Also called: Native American myopathy; Congenital myopathy 13; STAC3 disorder. Identifiers: Orphanet 168572, MedGen C1850625, MONDO:0009722, OMIM 255995.

Submissions (3):

GeneDx
Classification: Uncertain significance. Last evaluated: 2025-11-11. Review status: criteria provided, single submitter. Criteria: GeneDx Variant Classification Process June 2021. Collection method: clinical testing. Allele origin: germline.
Comment: In-frame deletion of 2 amino acid(s) in a non-repeat region; In silico analysis supports a deleterious effect on protein structure/function; Has not been previously published as pathogenic or benign to our knowledge

Labcorp Genetics (formerly Invitae), Labcorp
Classification: Uncertain significance for Bailey-Bloch congenital myopathy. Last evaluated: 2022-07-19. Review status: criteria provided, single submitter. Criteria: Invitae Variant Classification Sherloc (09022015). Collection method: clinical testing. Allele origin: germline.
Comment: This variant, c.207_212del, results in the deletion of 2 amino acid(s) of the STAC3 protein (p.Glu75_Glu76del), but otherwise preserves the integrity of the reading frame. This variant is present in population databases (rs747619441, gnomAD 0.05%), including at least one homozygous and/or hemizygous individual. This variant has not been reported in the literature in individuals affected with STAC3-related conditions. ClinVar contains an entry for this variant (Variation ID: 534098). Experimental studies and prediction algorithms are not available or were not evaluated, and the functional significance of this variant is currently unknown. In summary, the available evidence is currently insufficient to determine the role of this variant in disease. Therefore, it has been classified as a Variant of Uncertain Significance.

Mayo Clinic Laboratories, Mayo Clinic
Classification: Uncertain significance. Last evaluated: 2021-07-26. Review status: criteria provided, single submitter. Criteria: ACMG Guidelines, 2015. Collection method: clinical testing. Allele origin: germline.

NM_145064.3(STAC3):c.195GGAAGA[2] (p.Glu75_Glu76del)

Gene: STAC3 (SH3 and cysteine rich domain 3; minus strand). Cytogenetic location: 12q13.3.
Variant type: Microsatellite.
Coding change: c.195GGAAGA[2] on transcript NM_145064.3 (MANE Select); two copies in a row of the 6-base unit GGAAGA starting at c.195; the reference has three copies in a row; one copy, 6 bases deleted; also written c.207_212del.
Protein change: p.Glu75_Glu76del.
Molecular consequence: inframe deletion. On other transcripts: intron variant (1).
Genome position (GRCh38, 1-based): chr12:57,249,163-57,249,168, TCTTCC deleted on the plus strand (GGAAGA on the coding strand, the reverse complement: STAC3 is on the minus strand); deleting any 6 consecutive bases within chr12:57,249,163-57,249,182 gives the same sequence; the position shown is the placement nearest the transcript's 3' end. VCF-style (leftmost placement, unchanged base first): chr12-57249162-TTCTTCC-T. GRCh37 (hg19) VCF-style: chr12-57642945-TTCTTCC-T.
Other names: p.Glu75_Glu76del; c.207_212del (NM_145064.2); c.78GGAAGA[2], p.Glu36_Glu37del (NM_001286256.2); c.-126-982GGAAGA[2] (NM_001286257.2).
Identifiers: ClinVar variation 534098 (VCV000534098.12), dbSNP rs747619441, ClinGen allele CA6647224.